The following is an entry in ClinVar:

NM_007194.4(CHEK2):c.320-7A>C

Gene: CHEK2 (checkpoint kinase 2; minus strand). Cytogenetic location: 22q12.1.
Variant type: single nucleotide variant.
Coding change: c.320-7A>C on transcript NM_007194.4 (MANE Select); 7 bases into the intron before coding-DNA position 320, A replaced by C.
Molecular consequence: intron variant.
Genome position (GRCh38, 1-based): chr22:28,725,374, T>G on the plus strand (A>C on the coding strand, the complement: CHEK2 is on the minus strand). VCF-style: chr22-28725374-T-G. GRCh37 (hg19) VCF-style: chr22-29121362-T-G.
Other names: c.320-7A>C (NM_001349956.3, NM_145862.3); c.-458-7A>C (NM_001257387.3); c.413-7A>C (NM_001438295.1, NM_001438293.1); c.449-7A>C (NM_001438294.1, NM_001005735.3); c.-344-7A>C (NM_001437942.1).
Identifiers: ClinVar variation 1534665 (VCV001534665.11), dbSNP rs1555927424, ClinGen allele CA2573158064.

ClinVar aggregate classification (germline): Likely benign. Review status: criteria provided, multiple submitters, no conflicts (2 of 4 stars). 3 submissions from 3 submitters: Likely benign (3). Last evaluated 2024-10-02.

Conditions:
Familial cancer of breast. Also called: Hereditary breast cancer; hereditary breast carcinoma; BREAST CANCER, FAMILIAL. Identifiers: Orphanet 227535, MedGen C0346153, MONDO:0016419, OMIM 114480. Disease mechanism: loss of function.
Hereditary cancer-predisposing syndrome. Also called: Hereditary Cancer Syndrome; Neoplastic Syndromes, Hereditary; Tumor predisposition; Hereditary neoplastic syndrome. Identifiers: Orphanet 140162, MedGen C0027672, MeSH D009386, MONDO:0015356.

gnomAD v4.1: 3 of 1,614,088 alleles (0.00019%); highest among the groups gnomAD compares: Non-Finnish European, 0.00025%; no homozygotes.

Submissions (3):

Myriad Genetics, Inc.
Classification: Likely benign for Familial cancer of breast. Last evaluated: 2024-10-02. Review status: criteria provided, single submitter. Criteria: Myriad Autosomal Dominant, Autosomal Recessive and X-Linked Classification Criteria (2023). Collection method: clinical testing. Allele origin: unknown.
Comment: This variant is considered likely benign. This variant is intronic and is not expected to impact mRNA splicing.

Labcorp Genetics (formerly Invitae), Labcorp
Classification: Likely benign for Familial cancer of breast. Last evaluated: 2022-12-23. Review status: criteria provided, single submitter. Criteria: Invitae Variant Classification Sherloc (09022015). Collection method: clinical testing. Allele origin: germline.

Color Diagnostics, LLC DBA Color Health
Classification: Likely benign for Hereditary cancer-predisposing syndrome. Last evaluated: 2022-09-26. Review status: criteria provided, single submitter. Criteria: ACMG Guidelines, 2015. Collection method: clinical testing. Allele origin: germline.